The following is an entry in ClinVar:

NM_001301071.2(DOK7):c.1590C>T (p.Arg530=)

Gene: DOK7 (docking protein 7; plus strand). Cytogenetic location: 4p16.3.
Variant type: single nucleotide variant.
Coding change: c.1590C>T on transcript NM_001301071.2; coding-DNA position 1590, C replaced by T.
Protein change: p.Arg530=; no amino-acid change (arginine 530 retained).
Molecular consequence: synonymous variant.
Genome position (GRCh38, 1-based): chr4:3,500,300, C>T. VCF-style: chr4-3500300-C-T. GRCh37 (hg19) VCF-style: chr4-3502027-C-T.
Other names: c.1158C>T, p.Arg386= (NM_001363811.2).
Identifiers: ClinVar variation 4872843 (VCV004872843.3).
Genomic context (GRCh38, chr4:3,500,300, plus strand): 5'-TCCCCCCACAGGATCCCCAGGACCCGTGGCTGTGGACAGCCCAGGACCAGAGAGGCCGCG[C>T]GGCGAGTCGCCCACTTACGTGAACATCCCCGTCAGCCCATCCTCCAGAAAGCAGCTGCAC-3'

ClinVar aggregate classification (germline): Likely benign. Review status: criteria provided, multiple submitters, no conflicts (2 of 4 stars). 2 submissions from 2 submitters: Likely benign (2). Last evaluated 2026-06-01.

Conditions:
DOK7-related disorder. Also called: DOK7-related condition.

gnomAD v4.1: 481 of 1,535,942 alleles (0.031%); highest among the groups gnomAD compares: African/African-American, 0.062%; no homozygotes.

Submissions (2):

CeGaT Center for Human Genetics Tuebingen
Classification: Likely benign. Last evaluated: 2026-06-01. Review status: criteria provided, single submitter. Criteria: CeGaT Center For Human Genetics Tuebingen Variant Classification Criteria Version 2. Collection method: clinical testing. Allele origin: germline. Affected: yes. Observed: 1 variant allele.
Comment: DOK7: BP4, BP7

PreventionGenetics, part of Exact Sciences
Classification: Likely benign for DOK7-related condition. Last evaluated: 2026-05-21. Review status: criteria provided, single submitter. Criteria: ACMG Guidelines, 2015. Collection method: clinical testing. Allele origin: germline.
Comment: This variant is classified as likely benign based on ACMG/AMP sequence variant interpretation guidelines (Richards et al. 2015 PMID: 25741868, with internal and published modifications).